The following is an entry in ClinVar:

ClinVar aggregate classification (germline): Likely pathogenic (1 of 4 stars; one submission).

Conditions:
Retinal dystrophy. Also called: Inherited retinal dystrophy. Identifiers: Orphanet 71862, MedGen C0854723, MeSH D058499, MONDO:0019118, HP:0000556.

gnomAD v4.1: 1 of 1,614,182 alleles (0.000062%); highest among the groups gnomAD compares: South Asian, 0.0011%; no homozygotes.

Submission:

Ophthalmic Genetics Group, Institute of Molecular and Clinical Ophthalmology Basel
Classification: Likely pathogenic for Retinal dystrophy. Last evaluated: 2024-05-27. Review status: criteria provided, single submitter. Criteria: ACMG Guidelines, 2015. Collection method: research. Allele origin: germline. Affected: yes. Observed: 3 variant alleles.
Comment: This variant was classified as Likely pathogenic based on ACMG criteria: PVS1_Very strong, PM2_sup and PP1_strong

Literature cited by the submitters: PubMed 40180963.

NM_133497.4(KCNV2):c.190G>T (p.Glu64Ter)

Gene: KCNV2 (potassium voltage-gated channel modifier subfamily V member 2; plus strand). Cytogenetic location: 9p24.2.
Variant type: single nucleotide variant.
Coding change: c.190G>T on transcript NM_133497.4 (MANE Select); coding-DNA position 190, G replaced by T.
Protein change: p.Glu64Ter; replaces glutamic acid 64 with a stop codon.
Molecular consequence: nonsense.
Genome position (GRCh38, 1-based): chr9:2,717,929, G>T. VCF-style: chr9-2717929-G-T. GRCh37 (hg19) VCF-style: chr9-2717929-G-T.
Other names: NC_000009.11:g.2717929G>T; NP_598004.1:p.(Glu64Ter); short protein forms E64*.
Identifiers: ClinVar variation 3381800 (VCV003381800.2).